The following is an entry in ClinVar:

ClinVar aggregate classification (germline): Likely benign (0 of 4 stars; one submission).

Conditions:
SEMA3G-related disorder. Also called: SEMA3G-related condition.

Allele frequency attached by ClinVar (database versions not stated): gnomAD 0.00001; TOPMed 0.00003; ExAC 0.00004; gnomAD exomes 0.00006; ESP Exome Variant Server 0.00023.
gnomAD v4.1: 92 of 1,613,566 alleles (0.0057%); highest among the groups gnomAD compares: East Asian, 0.0067%; no homozygotes.

Submission:

PreventionGenetics, part of Exact Sciences
Classification: Likely benign for SEMA3G-related condition. Last evaluated: 2022-02-17. Review status: no assertion criteria provided. Collection method: clinical testing. Allele origin: germline.
Comment: This variant is classified as likely benign based on ACMG/AMP sequence variant interpretation guidelines (Richards et al. 2015 PMID: 25741868, with internal and published modifications).

NM_020163.3(SEMA3G):c.348C>T (p.Cys116=)

Gene: SEMA3G (semaphorin 3G; minus strand). Cytogenetic location: 3p21.1.
Variant type: single nucleotide variant.
Coding change: c.348C>T on transcript NM_020163.3 (MANE Select); coding-DNA position 348, C replaced by T.
Protein change: p.Cys116=; no amino-acid change (cysteine 116 retained).
Molecular consequence: synonymous variant.
Genome position (GRCh38, 1-based): chr3:52,442,296, G>A on the plus strand (C>T on the coding strand, the complement: SEMA3G is on the minus strand). VCF-style: chr3-52442296-G-A. GRCh37 (hg19) VCF-style: chr3-52476312-G-A.
Identifiers: ClinVar variation 3029837 (VCV003029837.2), dbSNP rs370503625, ClinGen allele CA2438364.